The following is an entry in ClinVar:

ClinVar aggregate classification (germline): Uncertain significance (1 of 4 stars; one submission).

Conditions:
Chédiak-Higashi syndrome (CHS). Also called: Chediak-Higashi Syndrome. Identifiers: Orphanet 167, MedGen C0007965, MONDO:0008963, OMIM 214500.

Submission:

Labcorp Genetics (formerly Invitae), Labcorp
Classification: Uncertain significance for Chédiak-Higashi syndrome. Last evaluated: 2021-12-19. Review status: criteria provided, single submitter. Criteria: Invitae Variant Classification Sherloc (09022015). Collection method: clinical testing. Allele origin: germline.
Comment: This sequence change replaces leucine, which is neutral and non-polar, with valine, which is neutral and non-polar, at codon 3612 of the LYST protein (p.Leu3612Val). This variant is not present in population databases (gnomAD no frequency). This variant has not been reported in the literature in individuals affected with LYST-related conditions. In summary, the available evidence is currently insufficient to determine the role of this variant in disease. Therefore, it has been classified as a Variant of Uncertain Significance. Algorithms developed to predict the effect of missense changes on protein structure and function are either unavailable or do not agree on the potential impact of this missense change (SIFT: "Deleterious"; PolyPhen-2: "Benign"; Align-GVGD: "Class C0").

NM_000081.4(LYST):c.10834C>G (p.Leu3612Val)

Gene: LYST (lysosomal trafficking regulator; minus strand). Cytogenetic location: 1q42.3.
Variant type: single nucleotide variant.
Coding change: c.10834C>G on transcript NM_000081.4 (MANE Select); coding-DNA position 10834, C replaced by G.
Protein change: p.Leu3612Val; replaces leucine 3612 with valine.
Molecular consequence: missense variant.
Genome position (GRCh38, 1-based): chr1:235,677,586, G>C on the plus strand (C>G on the coding strand, the complement: LYST is on the minus strand). VCF-style: chr1-235677586-G-C. GRCh37 (hg19) VCF-style: chr1-235840886-G-C.
Other names: c.10834C>G, p.Leu3612Val (NM_001301365.1); short protein forms L3612V.
Identifiers: ClinVar variation 1968410 (VCV001968410.5), dbSNP rs2527159867, ClinGen allele CA344922014.
Genomic context (GRCh38, chr1:235,677,586, plus strand): 5'-TCAGTATACTGTATGGTTTGCAAACAAATAAGCTGGTTATCTCTTCTGTGTGACCATAGA[G>C]ATGTATTTGAGTCTCCATTTCTATTTCTGATGGCTGAAATTTTAAAATTAAGTATGAGAT-3'
Protein context (NP_000072.2, residues 3602-3622): SEIEMETQIH[Leu3612Val]YGHTEEITSL